The following is an entry in ClinVar:

ClinVar aggregate classification (germline): Uncertain significance (1 of 4 stars; one submission).

Conditions:
Arrhythmogenic cardiomyopathy with wooly hair and keratoderma. Also called: Arrhythmogenic cardiomyopathy with woolly hair and keratoderma; PALMOPLANTAR KERATODERMA WITH LEFT VENTRICULAR CARDIOMYOPATHY AND WOOLLY HAIR; Carvajal syndrome; Dilated cardiomyopathy with woolly hair and keratoderma. Identifiers: Orphanet 65282, MedGen C1854063, MONDO:0011581, OMIM 605676.
Arrhythmogenic right ventricular dysplasia 8 (ARVD8). Also called: Arrhythmogenic Right Ventricular Dysplasia/Cardiomyopathy 8; ARRHYTHMOGENIC RIGHT VENTRICULAR DYSPLASIA, FAMILIAL, 8; ARRHYTHMOGENIC RIGHT VENTRICULAR CARDIOMYOPATHY 8. Identifiers: MedGen C1843896, MONDO:0011831, OMIM 607450.

gnomAD v4.1: 1 of 1,614,240 alleles (0.000062%); highest among the groups gnomAD compares: South Asian, 0.0011%; no homozygotes.

Submission:

Labcorp Genetics (formerly Invitae), Labcorp
Classification: Uncertain significance for Arrhythmogenic cardiomyopathy with wooly hair and keratoderma; Arrhythmogenic right ventricular dysplasia 8. Last evaluated: 2023-04-22. Review status: criteria provided, single submitter. Criteria: Invitae Variant Classification Sherloc (09022015). Collection method: clinical testing. Allele origin: germline.
Comment: This variant is not present in population databases (gnomAD no frequency). This sequence change replaces alanine, which is neutral and non-polar, with glycine, which is neutral and non-polar, at codon 2805 of the DSP protein (p.Ala2805Gly). This variant has not been reported in the literature in individuals affected with DSP-related conditions. In summary, the available evidence is currently insufficient to determine the role of this variant in disease. Therefore, it has been classified as a Variant of Uncertain Significance. An algorithm developed to predict the effect of missense changes on protein structure and function (PolyPhen-2) suggests that this variant is likely to be disruptive.

NM_004415.4(DSP):c.8414C>G (p.Ala2805Gly)

Gene: DSP (desmoplakin; plus strand). Cytogenetic location: 6p24.3.
Variant type: single nucleotide variant.
Coding change: c.8414C>G on transcript NM_004415.4 (MANE Select); coding-DNA position 8414, C replaced by G.
Protein change: p.Ala2805Gly; replaces alanine 2805 with glycine.
Molecular consequence: missense variant.
Genome position (GRCh38, 1-based): chr6:7,585,676, C>G. VCF-style: chr6-7585676-C-G. GRCh37 (hg19) VCF-style: chr6-7585909-C-G.
Other names: c.6617C>G, p.Ala2206Gly (NM_001008844.3); c.7085C>G, p.Ala2362Gly (NM_001319034.2); short protein forms A2206G, A2362G, A2805G.
Identifiers: ClinVar variation 2934470 (VCV002934470.3), dbSNP rs761351091, ClinGen allele CA362695101.